The following is an entry in ClinVar:

ClinVar aggregate classification (germline): Pathogenic (1 of 4 stars; one submission).

Submission:

GeneDx
Classification: Pathogenic. Last evaluated: 2021-11-30. Review status: criteria provided, single submitter. Criteria: GeneDx Variant Classification Process June 2021. Collection method: clinical testing. Allele origin: germline. Affected: yes.
Comment: Not observed at significant frequency in large population cohorts (Lek et al., 2016); Frameshift variant predicted to result in protein truncation, as the last 1064 amino acids are replaced with 224 different amino acids, and other loss-of-function variants have been reported downstream in the Human Gene Mutation Database (Stenson et al., 2014); Has not been previously published as pathogenic or benign to our knowledge

NM_015338.6(ASXL1):c.1433del (p.Gly478fs)

Gene: ASXL1 (ASXL transcriptional regulator 1; plus strand). Cytogenetic location: 20q11.21.
Variant type: Deletion.
Coding change: c.1433del on transcript NM_015338.6 (MANE Select); coding-DNA position 1433, one base deleted (G; older notation c.1433delG).
Protein change: p.Gly478fs; shifts the reading frame from glycine 478.
Molecular consequence: frameshift variant.
Genome position (GRCh38, 1-based): chr20:32,433,631, G deleted; the last of 3 consecutive G bases (chr20:32,433,629-32,433,631); deleting any one gives the same sequence. VCF-style (leftmost placement, unchanged base first): chr20-32433628-AG-A. GRCh37 (hg19) VCF-style: chr20-31021431-AG-A.
Other names: c.1250del, p.Gly417fs (NM_001363734.1); c.1433delG (NM_015338.5); short protein forms G417fs, G478fs.
Identifiers: ClinVar variation 545944 (VCV000545944.4), dbSNP rs1555911508, ClinGen allele CA658824329.
Genomic context (GRCh38, chr20:32,433,628, plus strand): 5'-ACCCAGCAGGGCTGAGCAGTCCCCATCTGCCAGGCACATCCTCTGCAGCACCCGACCTGG[AG>A]GGTCCCGAATTCCCAGTTGAGTCTGTGGCTTCTCGGATCCAGGCTGAGCCAGACAACTTG-3'